The following is an entry in ClinVar:

NM_001283009.2(RTEL1):c.1831G>A (p.Ala611Thr)

Genes: RTEL1 (regulator of telomere elongation helicase 1; plus strand), RTEL1-TNFRSF6B (RTEL1-TNFRSF6B readthrough (NMD candidate); plus strand). Cytogenetic location: 20q13.33.
Variant type: single nucleotide variant.
Coding change: c.1831G>A on transcript NM_001283009.2 (MANE Select); coding-DNA position 1831, G replaced by A.
Protein change: p.Ala611Thr; replaces alanine 611 with threonine.
Molecular consequence: missense variant. On other transcripts: non-coding transcript variant (1).
Genome position (GRCh38, 1-based): chr20:63,689,085, G>A. VCF-style: chr20-63689085-G-A. GRCh37 (hg19) VCF-style: chr20-62320438-G-A.
Other names: c.1162G>A, p.Ala388Thr (NM_001283010.1); c.1831G>A, p.Ala611Thr (NM_016434.4); c.1903G>A, p.Ala635Thr (NM_032957.5); short protein forms A635T, A611T, A388T.
Identifiers: ClinVar variation 2159262 (VCV002159262.4), dbSNP rs752318462, ClinGen allele CA9965029.

ClinVar aggregate classification (germline): Uncertain significance. Review status: criteria provided, multiple submitters, no conflicts (2 of 4 stars). 3 submissions from 3 submitters: Uncertain significance (3). Last evaluated 2025-09-08.

Conditions:
Dyskeratosis congenita, autosomal recessive 5 (DKCB5). Identifiers: MedGen C3554656, MONDO:0014076, OMIM 615190.
Pulmonary fibrosis and/or bone marrow failure, Telomere-related, 3. Also called: PULMONARY FIBROSIS AND/OR BONE MARROW FAILURE SYNDROME, TELOMERE-RELATED, 3. Identifiers: Orphanet 2032, MedGen C4225346, MONDO:0014613, OMIM 616373.
Inborn genetic diseases. Identifiers: MedGen C0950123, MeSH D030342.

Allele frequency attached by ClinVar (database versions not stated): gnomAD 0.00003; gnomAD exomes 0.00004.
gnomAD v4.1: 67 of 1,610,680 alleles (0.0042%); highest among the groups gnomAD compares: Non-Finnish European, 0.0053%; no homozygotes.

Submissions (3):

Labcorp Genetics (formerly Invitae), Labcorp
Classification: Uncertain significance for Dyskeratosis congenita, autosomal recessive 5; Pulmonary fibrosis and/or bone marrow failure, Telomere-related, 3. Last evaluated: 2025-09-08. Review status: criteria provided, single submitter. Criteria: Invitae Variant Classification Sherloc (09022015). Collection method: clinical testing. Allele origin: germline.
Comment: This sequence change replaces alanine, which is neutral and non-polar, with threonine, which is neutral and polar, at codon 611 of the RTEL1 protein (p.Ala611Thr). The frequency data for this variant in the population databases is considered unreliable, as metrics indicate poor data quality at this position in the gnomAD database. This variant has not been reported in the literature in individuals affected with RTEL1-related conditions. ClinVar contains an entry for this variant (Variation ID: 2159262). An algorithm developed to predict the effect of missense changes on protein structure and function (PolyPhen-2) suggests that this variant is likely to be tolerated. In summary, the available evidence is currently insufficient to determine the role of this variant in disease. Therefore, it has been classified as a Variant of Uncertain Significance.

Ambry Genetics
Classification: Uncertain significance for Inborn genetic diseases. Last evaluated: 2025-01-06. Review status: criteria provided, single submitter. Criteria: Ambry Variant Classification Scheme 2023. Collection method: clinical testing. Allele origin: germline.
Comment: The p.A611T variant (also known as c.1831G>A), located in coding exon 21 of the RTEL1 gene, results from a G to A substitution at nucleotide position 1831. The alanine at codon 611 is replaced by threonine, an amino acid with similar properties. This amino acid position is conserved. In addition, this alteration is predicted to be tolerated by in silico analysis. Based on the available evidence, the clinical significance of this variant remains unclear.

Blueprint Genetics
Classification: Uncertain significance. Last evaluated: 2017-06-26. Review status: criteria provided, single submitter. Criteria: ACMG Guidelines, 2015. Collection method: clinical testing. Allele origin: germline.